The following is an entry in ClinVar:

NM_000051.4(ATM):c.2638+9A>G

Gene: ATM (ATM serine/threonine kinase; plus strand). Cytogenetic location: 11q22.3.
Variant type: single nucleotide variant.
Coding change: c.2638+9A>G on transcript NM_000051.4 (MANE Select); 9 bases into the intron after coding-DNA position 2638, A replaced by G.
Molecular consequence: intron variant.
Genome position (GRCh38, 1-based): chr11:108,267,351, A>G. VCF-style: chr11-108267351-A-G. GRCh37 (hg19) VCF-style: chr11-108138078-A-G.
Other names: c.2638+9A>G (NM_001351834.2).
Identifiers: ClinVar variation 414537 (VCV000414537.22), dbSNP rs761592414, ClinGen allele CA6265073.
Genomic context (GRCh38, chr11:108,267,351, plus strand): 5'-GATAGTAGTGTTAGTGATGCAAACGAACCTGGAGAGAGCCAAAGTACCATAGGTAAATAC[A>G]TATTTACTACTTGGGATTTCTTTTACTTCTTTATATTGATTTGGCAGTATAAGAGGCCTC-3'

ClinVar aggregate classification (germline): Benign/Likely benign. Review status: criteria provided, multiple submitters, no conflicts (2 of 4 stars). 8 submissions from 8 submitters: Benign (1); Likely benign (6). 1 of the submissions does not count toward it. Last evaluated 2025-12-08.

Conditions:
ATM-related disorder. Also called: ATM-related disorders; ATM-related condition.
Hereditary cancer-predisposing syndrome. Also called: Neoplastic Syndromes, Hereditary; Tumor predisposition; Hereditary Cancer Syndrome; Hereditary neoplastic syndrome. Identifiers: Orphanet 140162, MedGen C0027672, MeSH D009386, MONDO:0015356.
Familial cancer of breast. Also called: hereditary breast carcinoma; BREAST CANCER, FAMILIAL; Hereditary breast cancer. Identifiers: Orphanet 227535, MedGen C0346153, MONDO:0016419, OMIM 114480. Disease mechanism: loss of function.
Ataxia-telangiectasia syndrome (AT). Also called: LOUIS-BAR SYNDROME; Ataxia-telangiectasia, complementation group E; ATAXIA-TELANGIECTASIA, COMPLEMENTATION GROUP A; ATAXIA-TELANGIECTASIA, FRESNO VARIANT; Ataxia-telangiectasia; Ataxia telangiectasia (A-T). Identifiers: Orphanet 100, MedGen C0004135, MONDO:0008840, OMIM 208900.
Hereditary breast ovarian cancer syndrome. Also called: Breast and ovarian cancer; Hereditary breast and ovarian cancer; Hereditary breast and ovarian cancer syndrome; Hereditary breast and/or ovarian cancer syndrome; Hereditary breast and ovarian cancer syndrome (HBOC); BRCA1- and BRCA2-Associated Hereditary Breast and Ovarian Cancer. Identifiers: Orphanet 145, MedGen C0677776, MeSH D061325, MONDO:0003582. Disease mechanism: loss of function.

Allele frequency attached by ClinVar (database versions not stated): ExAC 0.00002; gnomAD exomes 0.00002; TOPMed 0.00002; gnomAD 0.00003 and 0.00004.
gnomAD v4.1: 18 of 1,612,678 alleles (0.0011%); highest among the groups gnomAD compares: African/African-American, 0.0067%; no homozygotes.

Submissions (8):

Labcorp Genetics (formerly Invitae), Labcorp
Classification: Likely benign for Ataxia-telangiectasia syndrome. Last evaluated: 2025-12-08. Review status: criteria provided, single submitter. Criteria: Invitae Variant Classification Sherloc (09022015). Collection method: clinical testing. Allele origin: germline.

Myriad Genetics, Inc.
Classification: Likely benign for Familial cancer of breast. Last evaluated: 2024-05-09. Review status: criteria provided, single submitter. Criteria: Myriad Autosomal Dominant, Autosomal Recessive and X-Linked Classification Criteria (2023). Collection method: clinical testing. Allele origin: unknown.
Comment: This variant is considered likely benign. This variant is intronic and is not expected to impact mRNA splicing.

Department of Pathology and Laboratory Medicine, Sinai Health System
Classification: Likely benign for Familial cancer of breast; Ataxia-telangiectasia syndrome. Last evaluated: 2023-12-13. Review status: criteria provided, single submitter. Criteria: ACMG Guidelines, 2015. Collection method: clinical testing. Allele origin: germline. Affected: no.

National Health Laboratory Service, Universitas Academic Hospital and University of the Free State
Classification: Likely benign for Hereditary breast ovarian cancer syndrome. Last evaluated: 2022-04-19. Review status: criteria provided, single submitter. Criteria: ACMG Guidelines, 2015. Collection method: clinical testing. Allele origin: germline. Affected: yes. Observed: 1 variant allele.

Blueprint Genetics
Classification: Likely benign. Last evaluated: 2021-09-08. Review status: criteria provided, single submitter. Criteria: ACMG Guidelines, 2015. Collection method: clinical testing. Allele origin: germline.

Color Diagnostics, LLC DBA Color Health
Classification: Likely benign for Hereditary cancer-predisposing syndrome. Last evaluated: 2017-03-30. Review status: criteria provided, single submitter. Criteria: ACMG Guidelines, 2015. Collection method: clinical testing. Allele origin: germline.

GeneDx
Classification: Benign. Last evaluated: 2015-06-02. Review status: criteria provided, single submitter. Criteria: GeneDx Variant Classification Process June 2021. Collection method: clinical testing. Allele origin: germline. Affected: yes.

PreventionGenetics, part of Exact Sciences
Classification: Likely benign for ATM-related condition. Last evaluated: 2022-08-10. Review status: no assertion criteria provided. Collection method: clinical testing. Allele origin: germline. Not counted in ClinVar's aggregate classification.
Comment: This variant is classified as likely benign based on ACMG/AMP sequence variant interpretation guidelines (Richards et al. 2015 PMID: 25741868, with internal and published modifications).